The following is an entry in ClinVar:

NC_000017.11:g.(?_3654988)_(3655362_?)del

Gene: CTNS (cystinosin, lysosomal cystine transporter; plus strand). Cytogenetic location: 17p13.2.
Variant type: Deletion.
Identifiers: ClinVar variation 831009 (VCV000831009.4).

ClinVar aggregate classification (germline): Pathogenic. Review status: criteria provided, single submitter (1 of 4 stars). 2 submissions from 1 submitter: Pathogenic (2). Last evaluated 2022-07-19.

Conditions:
Inborn genetic diseases. Identifiers: MedGen C0950123, MeSH D030342.
Ocular cystinosis. Also called: Non-Nephropathic Cystinosis; Non-Nephropathic (Ocular) Cystinosis. Identifiers: Orphanet 213, Orphanet 411641, MedGen C2931013, MONDO:0009064, OMIM 219750.
Juvenile nephropathic cystinosis. Also called: Intermediate Cystinosis; CYSTINOSIS, LATE-ONSET JUVENILE OR ADOLESCENT NEPHROPATHIC TYPE; Later-Onset (Juvenile) Cystinosis. Identifiers: Orphanet 213, Orphanet 411634, MedGen C0268626, MONDO:0009066, OMIM 219900.
Nephropathic cystinosis (CTNS). Also called: Abderhalden Lignac Kaufmann disease; Abderhalden-Kaufmann-Lignac syndrome; CYSTINOSIN, DEFECT OF; LYSOSOMAL CYSTINE TRANSPORT PROTEIN, DEFECT OF. Identifiers: Orphanet 213, Orphanet 411629, MedGen C2931187, MONDO:0100151, OMIM 219800.

Submissions (2):

Labcorp Genetics (formerly Invitae), Labcorp
Classification: Pathogenic for Inborn genetic diseases; Ocular cystinosis; Juvenile nephropathic cystinosis. Last evaluated: 2022-07-19. Review status: criteria provided, single submitter. Criteria: Invitae Variant Classification Sherloc (09022015). Collection method: clinical testing. Allele origin: germline.
Comment: For these reasons, this variant has been classified as Pathogenic. This variant has not been reported in the literature in individuals affected with CTNS-related conditions. This variant is a gross deletion of the genomic region encompassing exon(s) 6-7 of the CTNS gene. This deletion is out-of-frame, and is expected to create a premature termination codon and result in an absent or disrupted protein product. Loss-of-function variants in CTNS are known to be pathogenic (PMID: 9537412, 27102039).

Labcorp Genetics (formerly Invitae), Labcorp
Classification: Pathogenic for Nephropathic cystinosis; Ocular cystinosis; Juvenile nephropathic cystinosis. Last evaluated: 2019-03-13. Review status: criteria provided, single submitter. Criteria: Invitae Variant Classification Sherloc (09022015). Collection method: clinical testing. Allele origin: germline.
Comment: This variant is an out-of-frame deletion of the genomic region encompassing exons 6-7 of the CTNS gene. This is expected to create a premature translational stop signal and result in an absent or disrupted protein product. This variant has not been reported in the literature in individuals with CTNS-related conditions. Loss-of-function variants in CTNS are known to be pathogenic (PMID: 9537412, 27102039). For these reasons, this variant has been classified as Pathogenic.

Literature cited by the submitters: PubMed 9537412; PubMed 27102039.